The following is an entry in ClinVar:

NM_000292.3(PHKA2):c.1490G>A (p.Arg497Gln)

Gene: PHKA2 (phosphorylase kinase regulatory subunit alpha 2; minus strand). Cytogenetic location: Xp22.13.
Variant type: single nucleotide variant.
Coding change: c.1490G>A on transcript NM_000292.3 (MANE Select); coding-DNA position 1490, G replaced by A.
Protein change: p.Arg497Gln; replaces arginine 497 with glutamine.
Molecular consequence: missense variant.
Genome position (GRCh38, 1-based): chrX:18,925,747, C>T on the plus strand (G>A on the coding strand, the complement: PHKA2 is on the minus strand). VCF-style: chrX-18925747-C-T. GRCh37 (hg19) VCF-style: chrX-18943865-C-T.
Other names: short protein forms R497Q.
Identifiers: ClinVar variation 871392 (VCV000871392.46), dbSNP rs2048199652, ClinGen allele CA412392105.
Genomic context (GRCh38, chrX:18,925,747, plus strand): 5'-ATTTGGTTCCTAATCACATATAGTTTAGAGGTTCCAAGGACACCAATATGTCGATACGGT[C>T]GCCCACTCAAATTCATATTCTTATTCCGTCCTGTTTGAGAAGTAAAAGATAAATTGGAGT-3'
Protein context (NP_000283.1, residues 487-507): GRNKNMNLSG[Arg497Gln]PYRHIGVLGT

ClinVar aggregate classification (germline): Conflicting classifications of pathogenicity. Review status: criteria provided, conflicting classifications (1 of 4 stars). 4 submissions from 4 submitters: Likely pathogenic (2); Uncertain significance (2). Last evaluated 2025-03-02.

Conditions:
Glycogen storage disease IXa1. Also called: GLYCOGEN STORAGE DISEASE VIII; GSD VIII; Glycogen storage disease 8; LIVER GLYCOGENOSIS, X-LINKED, TYPE I. Identifiers: Orphanet 264580, MedGen C3694531, MONDO:0010598, OMIM 306000.

Allele frequency attached by ClinVar (database versions not stated): gnomAD exomes below 0.00001.
gnomAD v4.1: 4 of 1,191,468 alleles (0.00034%); highest among the groups gnomAD compares: East Asian, 0.003%; no homozygotes.

Submissions (4):

Labcorp Genetics (formerly Invitae), Labcorp
Classification: Uncertain significance for Glycogen storage disease IXa1. Last evaluated: 2025-03-02. Review status: criteria provided, single submitter. Criteria: Invitae Variant Classification Sherloc (09022015). Collection method: clinical testing. Allele origin: germline.
Comment: This sequence change replaces arginine, which is basic and polar, with glutamine, which is neutral and polar, at codon 497 of the PHKA2 protein (p.Arg497Gln). This variant is not present in population databases (gnomAD no frequency). This missense change has been observed in individual(s) with clinical features of glycogen storage disease type IXa (GSD IXa) (PMID: 31700521). ClinVar contains an entry for this variant (Variation ID: 871392). Invitae Evidence Modeling of protein sequence and biophysical properties (such as structural, functional, and spatial information, amino acid conservation, physicochemical variation, residue mobility, and thermodynamic stability) indicates that this missense variant is expected to disrupt PHKA2 protein function with a positive predictive value of 80%. In summary, the available evidence is currently insufficient to determine the role of this variant in disease. Therefore, it has been classified as a Variant of Uncertain Significance.

GeneDx
Classification: Likely pathogenic. Last evaluated: 2024-03-21. Review status: criteria provided, single submitter. Criteria: GeneDx Variant Classification Process June 2021. Collection method: clinical testing. Allele origin: germline. Affected: yes.
Comment: Not observed at significant frequency in large population cohorts (gnomAD); In silico analysis supports that this missense variant has a deleterious effect on protein structure/function; This variant is associated with the following publications: (PMID: 31700521)

CeGaT Center for Human Genetics Tuebingen
Classification: Likely pathogenic. Last evaluated: 2019-10-01. Review status: criteria provided, single submitter. Criteria: CeGaT Center For Human Genetics Tuebingen Variant Classification Criteria Version 2. Collection method: clinical testing. Allele origin: germline. Affected: yes. Observed: 2 variant alleles.

Institute of Human Genetics, University of Leipzig Medical Center
Classification: Uncertain significance for Glycogen storage disease IXa1. Last evaluated: 2019-01-01. Review status: criteria provided, single submitter. Criteria: ACMG Guidelines, 2015. Collection method: clinical testing. Allele origin: unknown. Affected: no.

Literature cited by the submitters: PubMed 31700521 (cited by Labcorp Genetics (formerly Invitae), Labcorp).